The following is an entry in ClinVar:

ClinVar aggregate classification (germline): Uncertain significance (1 of 4 stars; one submission).

Submission:

CeGaT Center for Human Genetics Tuebingen
Classification: Uncertain significance. Last evaluated: 2025-04-01. Review status: criteria provided, single submitter. Criteria: CeGaT Center For Human Genetics Tuebingen Variant Classification Criteria Version 2. Collection method: clinical testing. Allele origin: germline. Affected: yes. Observed: 1 variant allele.
Comment: MAP2K1: PM2, PP3

NM_002755.4(MAP2K1):c.962C>G (p.Pro321Arg)

Gene: MAP2K1 (mitogen-activated protein kinase kinase 1; plus strand). Cytogenetic location: 15q22.31.
Variant type: single nucleotide variant.
Coding change: c.962C>G on transcript NM_002755.4 (MANE Select); coding-DNA position 962, C replaced by G.
Protein change: p.Pro321Arg; replaces proline 321 with arginine.
Molecular consequence: missense variant.
Genome position (GRCh38, 1-based): chr15:66,489,216, C>G. VCF-style: chr15-66489216-C-G. GRCh37 (hg19) VCF-style: chr15-66781554-C-G.
Other names: c.818C>G, p.Pro273Arg (NM_001411065.1); short protein forms P273R, P321R.
Identifiers: ClinVar variation 3898596 (VCV003898596.7).